The following is an entry in ClinVar:

NM_007194.4(CHEK2):c.571C>A (p.Leu191Met)

Gene: CHEK2 (checkpoint kinase 2; minus strand). Cytogenetic location: 22q12.1.
Variant type: single nucleotide variant.
Coding change: c.571C>A on transcript NM_007194.4 (MANE Select); coding-DNA position 571, C replaced by A.
Protein change: p.Leu191Met; replaces leucine 191 with methionine.
Molecular consequence: missense variant. On other transcripts: 5 prime UTR variant (2), intron variant (1).
Genome position (GRCh38, 1-based): chr22:28,724,998, G>T on the plus strand (C>A on the coding strand, the complement: CHEK2 is on the minus strand). VCF-style: chr22-28724998-G-T. GRCh37 (hg19) VCF-style: chr22-29120986-G-T.
Other names: c.700C>A, p.Leu234Met (NM_001005735.3, NM_001438294.1); c.-207C>A (NM_001257387.3); c.-93C>A (NM_001437942.1); c.664C>A, p.Leu222Met (NM_001438293.1, NM_001438295.1); c.571C>A, p.Leu191Met (NM_145862.3); c.445-75C>A (NM_001349956.3); short protein forms L234M, L191M, L222M.
Identifiers: ClinVar variation 4718177 (VCV004718177.1).

ClinVar aggregate classification (germline): Uncertain significance (1 of 4 stars; one submission).

Conditions:
Familial cancer of breast. Also called: hereditary breast carcinoma; BREAST CANCER, FAMILIAL; Hereditary breast cancer. Identifiers: Orphanet 227535, MedGen C0346153, MONDO:0016419, OMIM 114480. Disease mechanism: loss of function.

Submission:

Labcorp Genetics (formerly Invitae), Labcorp
Classification: Uncertain significance for Familial cancer of breast. Last evaluated: 2025-04-23. Review status: criteria provided, single submitter. Criteria: Invitae Variant Classification Sherloc (09022015). Collection method: clinical testing. Allele origin: germline.
Comment: This sequence change replaces leucine, which is neutral and non-polar, with methionine, which is neutral and non-polar, at codon 191 of the CHEK2 protein (p.Leu191Met). This variant is not present in population databases (gnomAD no frequency). This variant has not been reported in the literature in individuals affected with CHEK2-related conditions. An algorithm developed to predict the effect of missense changes on protein structure and function (PolyPhen-2) suggests that this variant is likely to be disruptive. In summary, the available evidence is currently insufficient to determine the role of this variant in disease. Therefore, it has been classified as a Variant of Uncertain Significance.